The following is an entry in ClinVar:

ClinVar aggregate classification (germline): Uncertain significance (1 of 4 stars; one submission).

Submission:

CeGaT Center for Human Genetics Tuebingen
Classification: Uncertain significance. Last evaluated: 2023-02-01. Review status: criteria provided, single submitter. Criteria: CeGaT Center For Human Genetics Tuebingen Variant Classification Criteria Version 2. Collection method: clinical testing. Allele origin: germline. Affected: yes. Observed: 1 variant allele.
Comment: SLX4: PM2, BP4

NM_032444.4(SLX4):c.1795G>A (p.Gly599Ser)

Gene: SLX4 (SLX4 structure-specific endonuclease subunit; minus strand). Cytogenetic location: 16p13.3.
Variant type: single nucleotide variant.
Coding change: c.1795G>A on transcript NM_032444.4 (MANE Select); coding-DNA position 1795, G replaced by A.
Protein change: p.Gly599Ser; replaces glycine 599 with serine.
Molecular consequence: missense variant.
Genome position (GRCh38, 1-based): chr16:3,596,282, C>T on the plus strand (G>A on the coding strand, the complement: SLX4 is on the minus strand). VCF-style: chr16-3596282-C-T. GRCh37 (hg19) VCF-style: chr16-3646283-C-T.
Other names: short protein forms G599S.
Identifiers: ClinVar variation 2646114 (VCV002646114.24), dbSNP rs770845528, ClinGen allele CA394527420.
Genomic context (GRCh38, chr16:3,596,282, plus strand): 5'-CCAGGTCCACGAGGTCCTGCAGGGCCTGGTGCTCCCTCTGGCTGGCCGAAGGCGACGGGC[C>T]CCTGGAGCCACAGCCTGCAGTGGGGGTGCCGTGGAGAGCGGGTGACCTTCGCTCGCTCAG-3'
Protein context (NP_115820.2, residues 589-609): GTPTAGCGSR[Gly599Ser]PSPSASQREH